The following is an entry in ClinVar:

GRCh37/hg19 14q13.1-13.2(chr14:34753109-35625099)x1

Genes: SPTSSA (serine palmitoyltransferase small subunit A; minus strand), SRP54 (signal recognition particle 54; plus strand), BAZ1A (bromodomain adjacent to zinc finger domain 1A; minus strand), CFL2 (cofilin 2; minus strand), EAPP (E2F associated phosphoprotein; minus strand) and 4 more. Cytogenetic location: 14q13.1-13.2.
Variant type: copy number loss.
Change: copy number 1 (one copy instead of two) of chr14:34,753,109-35,625,099 (872.0 kb, GRCh37 coordinates, 1-based), cytogenetic band 14q13.1-13.2.
Identifiers: ClinVar variation 5016494 (VCV005016494.1).

ClinVar aggregate classification (germline): Uncertain significance (1 of 4 stars; one submission).

Submission:

Pediatrics, Fukuoka University
Classification: Uncertain significance. Last evaluated: 2026-10-02. Review status: criteria provided, single submitter. Criteria: ACMG/ClinGen CNV Guidelines, 2019. Collection method: provider interpretation. Allele origin: de novo. Observed: 1 variant allele, 1 mosaic individual.
Comment: The contribution of this deletion to the phenotype is uncertain. Classified according to the ACMG/ClinGen CNV guidelines (PMID:31690835).